The following is an entry in ClinVar:

NM_020806.5(GPHN):c.718A>G (p.Ile240Val)

Gene: GPHN (gephyrin; plus strand). Cytogenetic location: 14q23.3.
Variant type: single nucleotide variant.
Coding change: c.718A>G on transcript NM_020806.5 (MANE Select); coding-DNA position 718, A replaced by G.
Protein change: p.Ile240Val; replaces isoleucine 240 with valine.
Molecular consequence: missense variant.
Genome position (GRCh38, 1-based): chr14:66,922,927, A>G. VCF-style: chr14-66922927-A-G. GRCh37 (hg19) VCF-style: chr14-67389644-A-G.
Other names: c.718A>G, p.Ile240Val (NM_001024218.2, NM_001377515.1, NM_001377516.1 and 2 more transcripts); c.757A>G, p.Ile253Val (NM_001377514.1, NM_001377519.1); short protein forms I253V, I240V.
Identifiers: ClinVar variation 2724420 (VCV002724420.3), dbSNP rs2549615732, ClinGen allele CA390256558.

ClinVar aggregate classification (germline): Uncertain significance (1 of 4 stars; one submission).

Conditions:
Sulfite oxidase deficiency due to molybdenum cofactor deficiency type C. Also called: Molybdenum cofactor deficiency C; Molybdenum cofactor deficiency, complementation group C. Identifiers: Orphanet 308400, Orphanet 833, MedGen C1854990, MONDO:0014212, OMIM 615501.

Allele frequency attached by ClinVar (database versions not stated): gnomAD exomes 0.00001.
gnomAD v4.1: 3 of 1,612,042 alleles (0.00019%); highest among the groups gnomAD compares: South Asian, 0.0011%; no homozygotes.

Submission:

Labcorp Genetics (formerly Invitae), Labcorp
Classification: Uncertain significance for Sulfite oxidase deficiency due to molybdenum cofactor deficiency type C. Last evaluated: 2025-07-14. Review status: criteria provided, single submitter. Criteria: Invitae Variant Classification Sherloc (09022015). Collection method: clinical testing. Allele origin: germline.
Comment: This sequence change replaces isoleucine, which is neutral and non-polar, with valine, which is neutral and non-polar, at codon 240 of the GPHN protein (p.Ile240Val). This variant is not present in population databases (gnomAD no frequency). This variant has not been reported in the literature in individuals affected with GPHN-related conditions. ClinVar contains an entry for this variant (Variation ID: 2724420). Invitae Evidence Modeling of protein sequence and biophysical properties (such as structural, functional, and spatial information, amino acid conservation, physicochemical variation, residue mobility, and thermodynamic stability) indicates that this missense variant is not expected to disrupt GPHN protein function with a negative predictive value of 80%. In summary, the available evidence is currently insufficient to determine the role of this variant in disease. Therefore, it has been classified as a Variant of Uncertain Significance.